The following is an entry in ClinVar:

NM_031372.4(HNRNPDL):c.17G>C (p.Arg6Thr)

Gene: HNRNPDL (heterogeneous nuclear ribonucleoprotein D like; minus strand). Cytogenetic location: 4q21.22.
Variant type: single nucleotide variant.
Coding change: c.17G>C on transcript NM_031372.4 (MANE Select); coding-DNA position 17, G replaced by C.
Protein change: p.Arg6Thr; replaces arginine 6 with threonine.
Molecular consequence: missense variant. On other transcripts: non-coding transcript variant (1).
Genome position (GRCh38, 1-based): chr4:82,429,674, C>G on the plus strand (G>C on the coding strand, the complement: HNRNPDL is on the minus strand). VCF-style: chr4-82429674-C-G. GRCh37 (hg19) VCF-style: chr4-83350827-C-G.
Other names: c.17G>C, p.Arg6Thr (NM_001207000.1); short protein forms R6T.
Identifiers: ClinVar variation 1396617 (VCV001396617.6), dbSNP rs1721630558, ClinGen allele CA357174193.

ClinVar aggregate classification (germline): Uncertain significance (1 of 4 stars; one submission).

Conditions:
Autosomal dominant limb-girdle muscular dystrophy type 1G (LGMDD3). Also called: Limb-girdle muscular dystrophy, type 1G; MUSCULAR DYSTROPHY, LIMB-GIRDLE, AUTOSOMAL DOMINANT 3. Identifiers: Orphanet 55596, MedGen C1836765, MONDO:0012193, OMIM 609115.

Allele frequency attached by ClinVar (database versions not stated): gnomAD exomes below 0.00001; TOPMed below 0.00001; gnomAD 0.00001.

Submission:

Labcorp Genetics (formerly Invitae), Labcorp
Classification: Uncertain significance for Autosomal dominant limb-girdle muscular dystrophy type 1G. Last evaluated: 2021-08-14. Review status: criteria provided, single submitter. Criteria: Invitae Variant Classification Sherloc (09022015). Collection method: clinical testing. Allele origin: germline.
Comment: In summary, the available evidence is currently insufficient to determine the role of this variant in disease. Therefore, it has been classified as a Variant of Uncertain Significance. Algorithms developed to predict the effect of missense changes on protein structure and function are either unavailable or do not agree on the potential impact of this missense change (SIFT: "Deleterious"; PolyPhen-2: "Benign"; Align-GVGD: "Class C0"). This variant has not been reported in the literature in individuals affected with HNRNPDL-related conditions. The frequency data for this variant in the population databases is considered unreliable, as metrics indicate insufficient coverage at this position in the ExAC database. This sequence change replaces arginine with threonine at codon 6 of the HNRNPDL protein (p.Arg6Thr). The arginine residue is moderately conserved and there is a moderate physicochemical difference between arginine and threonine.